The following is an entry in ClinVar:

ClinVar aggregate classification (germline): Uncertain significance (1 of 4 stars; one submission).

Submission:

Labcorp Genetics (formerly Invitae), Labcorp
Classification: Uncertain significance. Last evaluated: 2025-01-01. Review status: criteria provided, single submitter. Criteria: Invitae Variant Classification Sherloc (09022015). Collection method: clinical testing. Allele origin: germline.
Comment: This sequence change affects codon 587 of the ACO2 mRNA. It is a 'silent' change, meaning that it does not change the encoded amino acid sequence of the ACO2 protein. This variant also falls at the last nucleotide of exon 14, which is part of the consensus splice site for this exon. This variant is not present in population databases (gnomAD no frequency). This variant has not been reported in the literature in individuals affected with ACO2-related conditions. Variants that disrupt the consensus splice site are a relatively common cause of aberrant splicing (PMID: 17576681, 9536098). Algorithms developed to predict the effect of sequence changes on RNA splicing suggest that this variant may disrupt the consensus splice site. In summary, the available evidence is currently insufficient to determine the role of this variant in disease. Therefore, it has been classified as a Variant of Uncertain Significance.

Literature cited by the submitters: PubMed 17576681; PubMed 9536098.

NM_001098.3(ACO2):c.1761G>A (p.Lys587=)

Gene: ACO2 (aconitase 2; plus strand). Cytogenetic location: 22q13.2.
Variant type: single nucleotide variant.
Coding change: c.1761G>A on transcript NM_001098.3 (MANE Select); coding-DNA position 1761, G replaced by A.
Protein change: p.Lys587=; no amino-acid change (lysine 587 retained).
Molecular consequence: synonymous variant.
Genome position (GRCh38, 1-based): chr22:41,525,348, G>A. VCF-style: chr22-41525348-G-A. GRCh37 (hg19) VCF-style: chr22-41921352-G-A.
Identifiers: ClinVar variation 3722334 (VCV003722334.2).